The following is an entry in ClinVar:

ClinVar aggregate classification (germline): Uncertain significance (1 of 4 stars; one submission).

Submission:

GeneDx
Classification: Uncertain significance. Last evaluated: 2024-04-22. Review status: criteria provided, single submitter. Criteria: GeneDx Variant Classification Process June 2021. Collection method: clinical testing. Allele origin: germline. Affected: yes.
Comment: In silico analysis supports a deleterious effect on splicing; Has not been previously published as pathogenic or benign to our knowledge; No data available from control populations to assess the frequency of this variant.

NM_001330078.2(NRXN1):c.-922+1G>A

Gene: NRXN1 (neurexin 1; minus strand). Cytogenetic location: 2p16.3.
Variant type: single nucleotide variant.
Coding change: c.-922+1G>A on transcript NM_001330078.2 (MANE Select); the canonical splice donor site of the intron after 922 bases upstream of the start codon, G replaced by A.
Molecular consequence: splice donor variant.
Genome position (GRCh38, 1-based): chr2:51,031,980, C>T on the plus strand (G>A on the coding strand, the complement: NRXN1 is on the minus strand). VCF-style: chr2-51031980-C-T. GRCh37 (hg19) VCF-style: chr2-51259118-C-T.
Other names: c.-922+1G>A (NM_001330096.2, NM_001330087.2, NM_001330083.2 and 15 more transcripts).
Identifiers: ClinVar variation 3368116 (VCV003368116.1).